The following is an entry in ClinVar:

NM_033118.4(MYLK2):c.340G>A (p.Glu114Lys)

Gene: MYLK2 (myosin light chain kinase 2; plus strand). Cytogenetic location: 20q11.21.
Variant type: single nucleotide variant.
Coding change: c.340G>A on transcript NM_033118.4 (MANE Select); coding-DNA position 340, G replaced by A.
Protein change: p.Glu114Lys; replaces glutamic acid 114 with lysine.
Molecular consequence: missense variant.
Genome position (GRCh38, 1-based): chr20:31,820,413, G>A. VCF-style: chr20-31820413-G-A. GRCh37 (hg19) VCF-style: chr20-30408216-G-A.
Other names: short protein forms E114K.
Identifiers: ClinVar variation 164494 (VCV000164494.7), dbSNP rs727503303, ClinGen allele CA177183.

ClinVar aggregate classification (germline): Conflicting classifications of pathogenicity. Review status: criteria provided, conflicting classifications (1 of 4 stars). 3 submissions from 3 submitters: Uncertain significance (2); Likely benign (1). Last evaluated 2024-08-20.

Conditions:
Hypertrophic cardiomyopathy 1 (CMH1). Also called: MYH7-Related Familial Hypertrophic Cardiomyopathy; Familial hypertrophic cardiomyopathy 1. Identifiers: MedGen C3495498, MONDO:0008647, OMIM 192600.

Allele frequency attached by ClinVar (database versions not stated): gnomAD exomes 0.00001; TOPMed 0.00001.
gnomAD v4.1: 24 of 1,612,900 alleles (0.0015%); highest among the groups gnomAD compares: African/African-American, 0.021%; 1 homozygote.

Submissions (3):

Ambry Genetics
Classification: Uncertain significance. Last evaluated: 2024-08-20. Review status: criteria provided, single submitter. Criteria: Ambry Variant Classification Scheme 2023. Collection method: clinical testing. Allele origin: germline.

Labcorp Genetics (formerly Invitae), Labcorp
Classification: Uncertain significance for Hypertrophic cardiomyopathy 1. Last evaluated: 2024-07-19. Review status: criteria provided, single submitter. Criteria: Invitae Variant Classification Sherloc (09022015). Collection method: clinical testing. Allele origin: germline.
Comment: This sequence change replaces glutamic acid, which is acidic and polar, with lysine, which is basic and polar, at codon 114 of the MYLK2 protein (p.Glu114Lys). This variant is not present in population databases (gnomAD no frequency). This variant has not been reported in the literature in individuals affected with MYLK2-related conditions. ClinVar contains an entry for this variant (Variation ID: 164494). Advanced modeling of protein sequence and biophysical properties (such as structural, functional, and spatial information, amino acid conservation, physicochemical variation, residue mobility, and thermodynamic stability) performed at Invitae indicates that this missense variant is not expected to disrupt MYLK2 protein function with a negative predictive value of 80%. In summary, the available evidence is currently insufficient to determine the role of this variant in disease. Therefore, it has been classified as a Variant of Uncertain Significance.

Laboratory for Molecular Medicine, Mass General Brigham Personalized Medicine
Classification: Likely benign. Last evaluated: 2013-09-13. Review status: criteria provided, single submitter. Criteria: LMM Criteria. Collection method: clinical testing. Allele origin: germline. Observed: 1 variant allele.
Comment: Glu114Lys in exon 3 of MYLK2: This variant is not expected to have clinical sign ificance due to a lack of conservation across species, including mammals. Of not e, multiple mammals have a lysine (Lys) at this position despite high nearby ami no acid conservation. In addition, computational analyses (AlignGVGD, PolyPhen2, SIFT) do not suggest a high likelihood of impact to the protein.